The following is an entry in ClinVar:

ClinVar aggregate classification (germline): Uncertain significance. Review status: criteria provided, multiple submitters, no conflicts (2 of 4 stars). 2 submissions from 2 submitters: Uncertain significance (2). Last evaluated 2022-02-03.

Conditions:
Charcot-Marie-Tooth disease. Also called: Charcot-Marie-Tooth Hereditary Neuropathy; Charcot-Marie-Tooth Neuropathy. Identifiers: Orphanet 166, MedGen C0007959, MONDO:0015626.
Charcot-Marie-Tooth disease type 2. Also called: Charcot-Marie-Tooth type 2. Identifiers: Orphanet 64746, MedGen C0270914, MONDO:0018993.

Allele frequency attached by ClinVar (database versions not stated): TOPMed below 0.00001; ExAC 0.00001; gnomAD exomes 0.00002.
gnomAD v4.1: 25 of 1,614,098 alleles (0.0015%); highest among the groups gnomAD compares: Non-Finnish European, 0.002%; no homozygotes.

Submissions (2):

Labcorp Genetics (formerly Invitae), Labcorp
Classification: Uncertain significance for Charcot-Marie-Tooth disease type 2. Last evaluated: 2022-02-03. Review status: criteria provided, single submitter. Criteria: Invitae Variant Classification Sherloc (09022015). Collection method: clinical testing. Allele origin: germline.
Comment: This variant has not been reported in the literature in individuals affected with MFN2-related conditions. This variant is present in population databases (rs756851126, gnomAD 0.004%). This sequence change replaces serine, which is neutral and polar, with arginine, which is basic and polar, at codon 180 of the MFN2 protein (p.Ser180Arg). In summary, the available evidence is currently insufficient to determine the role of this variant in disease. Therefore, it has been classified as a Variant of Uncertain Significance. Advanced modeling of protein sequence and biophysical properties (such as structural, functional, and spatial information, amino acid conservation, physicochemical variation, residue mobility, and thermodynamic stability) performed at Invitae indicates that this missense variant is not expected to disrupt MFN2 protein function. ClinVar contains an entry for this variant (Variation ID: 858427).

Molecular Genetics Laboratory, London Health Sciences Centre
Classification: Uncertain significance for Charcot-Marie-Tooth disease. Review status: criteria provided, single submitter. Criteria: ACMG Guidelines, 2015. Collection method: clinical testing. Allele origin: germline. Affected: yes.

NM_014874.4(MFN2):c.538A>C (p.Ser180Arg)

Gene: MFN2 (mitofusin 2; plus strand). Cytogenetic location: 1p36.22.
Variant type: single nucleotide variant.
Coding change: c.538A>C on transcript NM_014874.4 (MANE Select); coding-DNA position 538, A replaced by C.
Protein change: p.Ser180Arg; replaces serine 180 with arginine.
Molecular consequence: missense variant.
Genome position (GRCh38, 1-based): chr1:11,997,360, A>C. VCF-style: chr1-11997360-A-C. GRCh37 (hg19) VCF-style: chr1-12057417-A-C.
Other names: c.538A>C, p.Ser180Arg (NM_001127660.2); short protein forms S180R.
Identifiers: ClinVar variation 858427 (VCV000858427.10), dbSNP rs756851126, ClinGen allele CA598850.